The following is an entry in ClinVar:

ClinVar aggregate classification (germline): Conflicting classifications of pathogenicity. Review status: criteria provided, conflicting classifications (1 of 4 stars). 3 submissions from 3 submitters: Likely pathogenic (1); Uncertain significance (2). Last evaluated 2023-10-23.

Conditions:
Retinitis pigmentosa 62 (RP62). Identifiers: Orphanet 791, MedGen C3280042, MONDO:0013611, OMIM 614181.

Allele frequency attached by ClinVar (database versions not stated): gnomAD exomes below 0.00001 and 0.00001; gnomAD 0.00001; TOPMed 0.00001.
gnomAD v4.1: 6 of 1,613,094 alleles (0.00037%); highest among the groups gnomAD compares: Non-Finnish European, 0.00051%; no homozygotes.

Submissions (3):

Institute of Human Genetics, University of Leipzig Medical Center
Classification: Likely pathogenic for Retinitis pigmentosa 62. Last evaluated: 2023-10-23. Review status: criteria provided, single submitter. Criteria: ACMG Guidelines, 2015. Collection method: clinical testing. Allele origin: inherited. Inheritance: Autosomal recessive inheritance. Affected: yes.
Comment: Criteria applied: PM2,PM3_SUP,PVS1_STR; RNA analysis revelaed exon 9 skipping

Labcorp Genetics (formerly Invitae), Labcorp
Classification: Uncertain significance. Last evaluated: 2021-08-27. Review status: criteria provided, single submitter. Criteria: Invitae Variant Classification Sherloc (09022015). Collection method: clinical testing. Allele origin: germline.
Comment: This variant has not been reported in the literature in individuals affected with MAK-related conditions. This sequence change falls in intron 8 of the MAK gene. It does not directly change the encoded amino acid sequence of the MAK protein. It affects a nucleotide within the consensus splice site of the intron. This variant is not present in population databases (ExAC no frequency). Variants that disrupt the consensus splice site are a relatively common cause of aberrant splicing (PMID: 17576681, 9536098). Experimental studies and prediction algorithms are not available or were not evaluated, and the effect of this variant on mRNA splicing is currently unknown. In summary, the available evidence is currently insufficient to determine the role of this variant in disease. Therefore, it has been classified as a Variant of Uncertain Significance.

Blueprint Genetics
Classification: Uncertain significance. Last evaluated: 2021-05-19. Review status: criteria provided, single submitter. Criteria: ACMG Guidelines, 2015. Collection method: clinical testing. Allele origin: germline.

Literature cited by the submitters: PubMed 17576681 (cited by Labcorp Genetics (formerly Invitae), Labcorp); PubMed 9536098 (cited by Labcorp Genetics (formerly Invitae), Labcorp).

NM_001242957.3(MAK):c.1143+6T>C

Gene: MAK (male germ cell associated kinase; minus strand). Cytogenetic location: 6p24.2.
Variant type: single nucleotide variant.
Coding change: c.1143+6T>C on transcript NM_001242957.3 (MANE Select); 6 bases into the intron after coding-DNA position 1143, T replaced by C.
Molecular consequence: intron variant.
Genome position (GRCh38, 1-based): chr6:10,795,992, A>G on the plus strand (T>C on the coding strand, the complement: MAK is on the minus strand). VCF-style: chr6-10795992-A-G. GRCh37 (hg19) VCF-style: chr6-10796225-A-G.
Other names: c.1041+6T>C (NM_001377262.1); c.1143+6T>C (NM_005906.6, NM_001242385.2).
Identifiers: ClinVar variation 1435408 (VCV001435408.7), dbSNP rs1394158081, ClinGen allele CA565827419.